The following is an entry in ClinVar:

NM_006648.4(WNK2):c.5107C>A (p.Pro1703Thr)

Gene: WNK2 (WNK lysine deficient protein kinase 2; plus strand). Cytogenetic location: 9q22.31.
Variant type: single nucleotide variant.
Coding change: c.5107C>A on transcript NM_006648.4 (MANE Select); coding-DNA position 5107, C replaced by A.
Protein change: p.Pro1703Thr; replaces proline 1703 with threonine.
Molecular consequence: missense variant.
Genome position (GRCh38, 1-based): chr9:93,292,572, C>A. VCF-style: chr9-93292572-C-A. GRCh37 (hg19) VCF-style: chr9-96054854-C-A.
Other names: c.5218C>A, p.Pro1740Thr (NM_001282394.3); short protein forms P1740T, P1703T.
Identifiers: ClinVar variation 3470513 (VCV003470513.1).

ClinVar aggregate classification (germline): Uncertain significance (1 of 4 stars; one submission).

gnomAD v4.1: 2 of 1,569,550 alleles (0.00013%); highest among the groups gnomAD compares: Non-Finnish European, 0.00017%; no homozygotes.

Submission:

Ambry Genetics
Classification: Uncertain significance. Last evaluated: 2024-11-28. Review status: criteria provided, single submitter. Criteria: Ambry Variant Classification Scheme 2023. Collection method: clinical testing. Allele origin: germline.
Comment: The p.P1703T variant (also known as c.5107C>A), located in coding exon 22 of the WNK2 gene, results from a C to A substitution at nucleotide position 5107. The proline at codon 1703 is replaced by threonine, an amino acid with highly similar properties. This amino acid position is conserved. In addition, this alteration is predicted to be tolerated by in silico analysis. Based on the available evidence, the clinical significance of this variant remains unclear.